The following is an entry in ClinVar:

NM_001366521.1(ATP2B1):c.2440A>G (p.Met814Val)

Gene: ATP2B1 (ATPase plasma membrane Ca2+ transporting 1; minus strand). Cytogenetic location: 12q21.33.
Variant type: single nucleotide variant.
Coding change: c.2440A>G on transcript NM_001366521.1 (MANE Select); coding-DNA position 2440, A replaced by G.
Protein change: p.Met814Val; replaces methionine 814 with valine.
Molecular consequence: missense variant. On other transcripts: non-coding transcript variant (3).
Genome position (GRCh38, 1-based): chr12:89,609,939, T>C on the plus strand (A>G on the coding strand, the complement: ATP2B1 is on the minus strand). VCF-style: chr12-89609939-T-C. GRCh37 (hg19) VCF-style: chr12-90003716-T-C.
Other names: c.2440A>G, p.Met814Val (NM_001001323.2, NM_001366520.1, NM_001366522.1 and 12 more transcripts); c.2299A>G, p.Met767Val (NM_001413051.1, NM_001413052.1, NM_001413055.1); c.2242A>G, p.Met748Val (NM_001413053.1, NM_001366530.1); c.2197A>G, p.Met733Val (NM_001413054.1); c.2185A>G, p.Met729Val (NM_001413056.1); c.1987A>G, p.Met663Val (NM_001413057.1); c.1879A>G, p.Met627Val (NM_001413058.1, NM_001413059.1, NM_001366531.1 and 2 more transcripts); c.2401A>G, p.Met801Val (NM_001413048.1); short protein forms M627V, M663V, M729V, M733V, M748V, M767V, M801V, M814V.
Identifiers: ClinVar variation 4882832 (VCV004882832.2).

ClinVar aggregate classification (germline): Uncertain significance (1 of 4 stars; one submission).

Submission:

Dasa
Classification: Uncertain significance. Last evaluated: 2025-06-16. Review status: criteria provided, single submitter. Criteria: DASA Assertion Criteria. Collection method: clinical testing. Allele origin: germline.
Comment: NM_001366521.1(ATP2B1):c.2440A>G (p.Met814Val) is a missense variant that results in the substitution of methionine with valine. This variant has been reported in individuals with ATP2B1-related disorders (PMID: 35358416). Also, this variant is absent from population databases. Computational prediction algorithms are consistent with a deleterious effect. The currently available literature and clinical evidence are not sufficient to establish a definitive association between this variant and the reported condition. Therefore, this variant is classified as a variant of uncertain significance.

Literature cited by the submitters: PubMed 35358416.